The following is an entry in ClinVar:

NM_001365276.2(TNXB):c.2923G>A (p.Gly975Arg)

Gene: TNXB (tenascin XB; minus strand). Cytogenetic location: 6p21.33.
Variant type: single nucleotide variant.
Coding change: c.2923G>A on transcript NM_001365276.2 (MANE Select); coding-DNA position 2923, G replaced by A.
Protein change: p.Gly975Arg; replaces glycine 975 with arginine.
Molecular consequence: missense variant.
Genome position (GRCh38, 1-based): chr6:32,085,975, C>T on the plus strand (G>A on the coding strand, the complement: TNXB is on the minus strand). VCF-style: chr6-32085975-C-T. GRCh37 (hg19) VCF-style: chr6-32053752-C-T.
Other names: c.3664G>A, p.Gly1222Arg (NM_001428335.1); c.2923G>A, p.Gly975Arg (NM_019105.8); short protein forms G1222R, G975R.
Identifiers: ClinVar variation 3907493 (VCV003907493.1).
Genomic context (GRCh38, chr6:32,085,975, plus strand): 5'-TGCGCAGTTGGAAGTAGGCAAAGGTGTCAGGCTGGGCGGTCCAGACCACACGGAGGCGCC[C>T]TGTCTCATCTCTGCCCAGCACCCTCAACTCTCCCAGCTCCTGGGGGCGCTGCTGCAGGAG-3'
Protein context (NP_001352205.1, residues 965-985): ELRVLGRDET[Gly975Arg]RLRVVWTAQP

ClinVar aggregate classification (germline): Uncertain significance (1 of 4 stars; one submission).

Submission:

Women's Health and Genetics/Laboratory Corporation of America, LabCorp
Classification: Uncertain significance. Last evaluated: 2025-06-30. Review status: criteria provided, single submitter. Criteria: LabCorp Variant Classification Summary - May 2015. Collection method: clinical testing. Allele origin: germline.
Comment: Variant summary: TNXB c.2923G>A (p.Gly975Arg) results in a non-conservative amino acid change in the encoded protein sequence. Algorithms developed to predict the effect of missense changes on protein structure and function are either unavailable or do not agree on the potential impact of this missense change. The variant was absent in 243470 control chromosomes. The available data on variant occurrences in the general population are insufficient to allow any conclusion about variant significance. To our knowledge, no occurrence of c.2923G>A in individuals affected with Ehlers-Danlos syndrome due to tenascin-X deficiency and no experimental evidence demonstrating its impact on protein function have been reported. No submitters have cited clinical-significance assessments for this variant to ClinVar. Based on the evidence outlined above, the variant was classified as uncertain significance.